The following is an entry in ClinVar:

NM_007294.4(BRCA1):c.4846G>C (p.Ala1616Pro)

Gene: BRCA1 (BRCA1 DNA repair associated; minus strand). Cytogenetic location: 17q21.31.
Variant type: single nucleotide variant.
Coding change: c.4846G>C on transcript NM_007294.4 (MANE Select); coding-DNA position 4846, G replaced by C.
Protein change: p.Ala1616Pro; replaces alanine 1616 with proline.
Molecular consequence: missense variant. On other transcripts: non-coding transcript variant (1).
Genome position (GRCh38, 1-based): chr17:43,071,068, C>G on the plus strand (G>C on the coding strand, the complement: BRCA1 is on the minus strand). VCF-style: chr17-43071068-C-G. GRCh37 (hg19) VCF-style: chr17-41223085-C-G.
Other names: c.4633G>C, p.Ala1545Pro (NM_001407571.1, NM_001407907.1, NM_001407908.1 and 12 more transcripts); c.4912G>C, p.Ala1638Pro (NM_001407581.1, NM_001407582.1); c.4909G>C, p.Ala1637Pro (NM_001407583.1, NM_001407585.1, NM_001407587.1 and 1 more transcripts); c.4906G>C, p.Ala1636Pro (NM_001407590.1, NM_001407591.1); c.4846G>C, p.Ala1616Pro (NM_001407593.1, NM_001407594.1, NM_001407596.1 and 8 more transcripts); c.4843G>C, p.Ala1615Pro (NM_001407614.1, NM_001407615.1, NM_001407616.1 and 17 more transcripts); c.4840G>C, p.Ala1614Pro (NM_001407633.1, NM_001407634.1, NM_001407635.1 and 14 more transcripts); c.4768G>C, p.Ala1590Pro (NM_001407655.1, NM_001407653.1, NM_001407654.1); and 70 more; short protein forms A1319P, A1462P, A1504P, A1528P, A1547P, A1549P, A1575P, A1611P.
Identifiers: ClinVar variation 1810756 (VCV001810756.4), dbSNP rs890599236, ClinGen allele CA10591833.
Genomic context (GRCh38, chr17:43,071,068, plus strand): 5'-TCTCCCTGCTCACACTTTCTTCCATTGCATTATACCCAGCAGTATCAGTAGTATGAGCAG[C>G]AGCTGGACTCTGGGCAGATTCTGCAACTTTCAATTGGGGAACTTTCAATGCAGAGGTTGA-3'
Protein context (NP_009225.1, residues 1606-1626): KVAESAQSPA[Ala1616Pro]AHTTDTAGYN

ClinVar aggregate classification (germline): Uncertain significance. Review status: criteria provided, multiple submitters, no conflicts (2 of 4 stars). 3 submissions from 3 submitters: Uncertain significance (3). Last evaluated 2023-12-13.

Conditions:
Hereditary cancer-predisposing syndrome. Also called: Tumor predisposition; Hereditary Cancer Syndrome; Hereditary neoplastic syndrome; Neoplastic Syndromes, Hereditary. Identifiers: Orphanet 140162, MedGen C0027672, MeSH D009386, MONDO:0015356.
Breast-ovarian cancer, familial, susceptibility to, 1 (BROVCA1). Also called: BRCA1 Hereditary Breast and Ovarian Cancer; OVARIAN CANCER, SUSCEPTIBILITY TO. Identifiers: Orphanet 145, MedGen C2676676, MONDO:0011450, OMIM 604370. Disease mechanism: loss of function.
Hereditary breast ovarian cancer syndrome. Also called: Hereditary breast and ovarian cancer; Hereditary breast and ovarian cancer syndrome (HBOC); Breast and ovarian cancer; Hereditary breast and/or ovarian cancer syndrome; Hereditary breast and ovarian cancer syndrome; BRCA1- and BRCA2-Associated Hereditary Breast and Ovarian Cancer. Identifiers: Orphanet 145, MedGen C0677776, MeSH D061325, MONDO:0003582. Disease mechanism: loss of function.

Submissions (3):

All of Us Research Program, National Institutes of Health
Classification: Uncertain significance for Breast-ovarian cancer, familial, susceptibility to, 1. Last evaluated: 2023-12-13. Review status: criteria provided, single submitter. Criteria: ACMG Guidelines, 2015. Collection method: clinical testing. Allele origin: germline. Inheritance: Autosomal dominant inheritance. Observed: 1 variant allele, 1 heterozygote.
Comment: This missense variant replaces alanine with proline at codon 1616 of the BRCA1 protein. Computational prediction is inconclusive regarding the impact of this variant on protein structure and function. To our knowledge, functional studies have not been reported for this variant. This variant has not been reported in individuals affected with BRCA1-related disorders in the literature. This variant has not been identified in the general population by the Genome Aggregation Database (gnomAD). The available evidence is insufficient to determine the role of this variant in disease conclusively. Therefore, this variant is classified as a Variant of Uncertain Significance.

This study involves interpretation of variants in research participants for the purpose of population health screening. Participant phenotype was not available at the time of variant classification. Additional details can be found in publication PMID: 35346344, PMCID: PMC8962531

Color Diagnostics, LLC DBA Color Health
Classification: Uncertain significance for Hereditary cancer-predisposing syndrome. Last evaluated: 2023-11-08. Review status: criteria provided, single submitter. Criteria: ACMG Guidelines, 2015. Collection method: clinical testing. Allele origin: germline.
Comment: This missense variant replaces alanine with proline at codon 1616 of the BRCA1 protein. Computational prediction is inconclusive regarding the impact of this variant on protein structure and function. To our knowledge, functional studies have not been reported for this variant. This variant has not been reported in individuals affected with BRCA1-related disorders in the literature. This variant has not been identified in the general population by the Genome Aggregation Database (gnomAD). The available evidence is insufficient to determine the role of this variant in disease conclusively. Therefore, this variant is classified as a Variant of Uncertain Significance.

Institute for Biomarker Research, Medical Diagnostic Laboratories, L.L.C.
Classification: Uncertain significance for Hereditary breast ovarian cancer syndrome. Last evaluated: 2022-10-18. Review status: criteria provided, single submitter. Criteria: ACMG Guidelines, 2015. Collection method: clinical testing. Allele origin: germline.